The following is an entry in ClinVar:

ClinVar aggregate classification (germline): Uncertain significance (1 of 4 stars; one submission).

Conditions:
Inborn genetic diseases. Identifiers: MedGen C0950123, MeSH D030342.

Submission:

Ambry Genetics
Classification: Uncertain significance for Inborn genetic diseases. Last evaluated: 2024-06-24. Review status: criteria provided, single submitter. Criteria: Ambry Variant Classification Scheme 2023. Collection method: clinical testing. Allele origin: germline.
Comment: The p.Q858R variant (also known as c.2573A>G), located in coding exon 16 of the EPAS1 gene, results from an A to G substitution at nucleotide position 2573. The glutamine at codon 858 is replaced by arginine, an amino acid with highly similar properties. This amino acid position is conserved. In addition, this alteration is predicted to be deleterious by in silico analysis. Since supporting evidence is limited at this time, the clinical significance of this alteration remains unclear.

NM_001430.5(EPAS1):c.2573A>G (p.Gln858Arg)

Gene: EPAS1 (endothelial PAS domain protein 1; plus strand). Cytogenetic location: 2p21.
Variant type: single nucleotide variant.
Coding change: c.2573A>G on transcript NM_001430.5 (MANE Select); coding-DNA position 2573, A replaced by G.
Protein change: p.Gln858Arg; replaces glutamine 858 with arginine.
Molecular consequence: missense variant.
Genome position (GRCh38, 1-based): chr2:46,384,620, A>G. VCF-style: chr2-46384620-A-G. GRCh37 (hg19) VCF-style: chr2-46611759-A-G.
Other names: short protein forms Q858R.
Identifiers: ClinVar variation 1793270 (VCV001793270.3), dbSNP rs2546483780, ClinGen allele CA346707152.